The following is an entry in ClinVar:

ClinVar aggregate classification (germline): Uncertain significance. Review status: criteria provided, multiple submitters, no conflicts (2 of 4 stars). 2 submissions from 2 submitters: Uncertain significance (2). Last evaluated 2024-03-18.

Submissions (2):

Ambry Genetics
Classification: Uncertain significance. Last evaluated: 2024-03-18. Review status: criteria provided, single submitter. Criteria: Ambry Variant Classification Scheme 2023. Collection method: clinical testing. Allele origin: germline.

Labcorp Genetics (formerly Invitae), Labcorp
Classification: Uncertain significance. Last evaluated: 2022-04-29. Review status: criteria provided, single submitter. Criteria: Invitae Variant Classification Sherloc (09022015). Collection method: clinical testing. Allele origin: germline.
Comment: In summary, the available evidence is currently insufficient to determine the role of this variant in disease. Therefore, it has been classified as a Variant of Uncertain Significance. Algorithms developed to predict the effect of missense changes on protein structure and function are either unavailable or do not agree on the potential impact of this missense change (SIFT: "Deleterious"; PolyPhen-2: "Possibly Damaging"; Align-GVGD: "Class C0"). This variant has not been reported in the literature in individuals affected with RCBTB1-related conditions. This variant is not present in population databases (gnomAD no frequency). This sequence change replaces lysine, which is basic and polar, with glutamic acid, which is acidic and polar, at codon 66 of the RCBTB1 protein (p.Lys66Glu).

NM_018191.4(RCBTB1):c.196A>G (p.Lys66Glu)

Gene: RCBTB1 (RCC1 and BTB domain containing protein 1; minus strand). Cytogenetic location: 13q14.2.
Variant type: single nucleotide variant.
Coding change: c.196A>G on transcript NM_018191.4 (MANE Select); coding-DNA position 196, A replaced by G.
Protein change: p.Lys66Glu; replaces lysine 66 with glutamic acid.
Molecular consequence: missense variant. On other transcripts: 5 prime UTR variant (1), non-coding transcript variant (2).
Genome position (GRCh38, 1-based): chr13:49,566,699, T>C on the plus strand (A>G on the coding strand, the complement: RCBTB1 is on the minus strand). VCF-style: chr13-49566699-T-C. GRCh37 (hg19) VCF-style: chr13-50140835-T-C.
Other names: c.196A>G (NM_018191.3); c.196A>G, p.Lys66Glu (NM_001352500.2, NM_001352501.2, NM_001352502.2 and 3 more transcripts); c.-414A>G (NM_001352506.2); short protein forms K66E.
Identifiers: ClinVar variation 2075842 (VCV002075842.5), dbSNP rs1255981527, ClinGen allele CA388195639.